The following is an entry in ClinVar:

NM_145200.5(CABP4):c.86A>G (p.Lys29Arg)

Gene: CABP4 (calcium binding protein 4; plus strand). Cytogenetic location: 11q13.2.
Variant type: single nucleotide variant.
Coding change: c.86A>G on transcript NM_145200.5 (MANE Select); coding-DNA position 86, A replaced by G.
Protein change: p.Lys29Arg; replaces lysine 29 with arginine.
Molecular consequence: missense variant. On other transcripts: 5 prime UTR variant (2), non-coding transcript variant (1), intron variant (1).
Genome position (GRCh38, 1-based): chr11:67,455,509, A>G. VCF-style: chr11-67455509-A-G. GRCh37 (hg19) VCF-style: chr11-67222980-A-G.
Other names: c.-298A>G (NM_001300895.3); c.-312A>G (NM_001379183.1); c.-112-200A>G (NM_001300896.3); short protein forms K29R.
Identifiers: ClinVar variation 2087313 (VCV002087313.4), dbSNP rs1266519334, ClinGen allele CA381526783.
Genomic context (GRCh38, chr11:67,455,509, plus strand): 5'-AGCAGGGCCCAAATCTGGCCATTGGCCGTCAGAAGCCCCCTGCGGGGGTTGTGACTCCCA[A>G]GAGTGATGCAGAGGAGCCCCCGTTGACCAGGAAGAGGAGCAAGAAGGAGAGGGGGCTCCG-3'
Protein context (NP_660201.1, residues 19-39): QKPPAGVVTP[Lys29Arg]SDAEEPPLTR

ClinVar aggregate classification (germline): Uncertain significance (1 of 4 stars; one submission).

Allele frequency attached by ClinVar (database versions not stated): gnomAD exomes below 0.00001; TOPMed below 0.00001; gnomAD 0.00001.
gnomAD v4.1: 5 of 1,605,036 alleles (0.00031%); highest among the groups gnomAD compares: Non-Finnish European, 0.00042%; no homozygotes.

Submission:

Labcorp Genetics (formerly Invitae), Labcorp
Classification: Uncertain significance. Last evaluated: 2022-01-17. Review status: criteria provided, single submitter. Criteria: Invitae Variant Classification Sherloc (09022015). Collection method: clinical testing. Allele origin: germline.
Comment: This sequence change replaces lysine, which is basic and polar, with arginine, which is basic and polar, at codon 29 of the CABP4 protein (p.Lys29Arg). This variant is not present in population databases (gnomAD no frequency). This variant has not been reported in the literature in individuals affected with CABP4-related conditions. Algorithms developed to predict the effect of missense changes on protein structure and function output the following: SIFT: "Tolerated"; PolyPhen-2: "Benign"; Align-GVGD: "Class C0". The arginine amino acid residue is found in multiple mammalian species, which suggests that this missense change does not adversely affect protein function. Algorithms developed to predict the effect of sequence changes on RNA splicing suggest that this variant may create or strengthen a splice site. In summary, the available evidence is currently insufficient to determine the role of this variant in disease. Therefore, it has been classified as a Variant of Uncertain Significance.